The following is an entry in ClinVar:

NM_004204.5(PIGQ):c.573G>A (p.Trp191Ter)

Gene: PIGQ (phosphatidylinositol glycan anchor biosynthesis class Q; plus strand). Cytogenetic location: 16p13.3.
Variant type: single nucleotide variant.
Coding change: c.573G>A on transcript NM_004204.5 (MANE Select); coding-DNA position 573, G replaced by A.
Protein change: p.Trp191Ter; replaces tryptophan 191 with a stop codon.
Molecular consequence: nonsense.
Genome position (GRCh38, 1-based): chr16:574,647, G>A. VCF-style: chr16-574647-G-A. GRCh37 (hg19) VCF-style: chr16-624647-G-A.
Other names: c.573G>A, p.Trp191Ter (NM_148920.4); short protein forms W191*.
Identifiers: ClinVar variation 2901493 (VCV002901493.3), dbSNP rs777480754, ClinGen allele CA7779910.

ClinVar aggregate classification (germline): Pathogenic (1 of 4 stars; one submission).

Conditions:
Epilepsy. Also called: Seizure disorder. Identifiers: MedGen C0014544, MeSH D004827, MONDO:0005027.

Allele frequency attached by ClinVar (database versions not stated): ExAC 0.00001.
gnomAD v4.1: 1 of 1,607,860 alleles (0.000062%); highest among the groups gnomAD compares: Admixed American, 0.0017%; no homozygotes.

Submission:

Labcorp Genetics (formerly Invitae), Labcorp
Classification: Pathogenic for Epilepsy. Last evaluated: 2022-12-31. Review status: criteria provided, single submitter. Criteria: Invitae Variant Classification Sherloc (09022015). Collection method: clinical testing. Allele origin: germline.
Comment: For these reasons, this variant has been classified as Pathogenic. This variant has not been reported in the literature in individuals affected with PIGQ-related conditions. The frequency data for this variant in the population databases is considered unreliable, as metrics indicate poor data quality at this position in the gnomAD database. This sequence change creates a premature translational stop signal (p.Trp191*) in the PIGQ gene. It is expected to result in an absent or disrupted protein product. Loss-of-function variants in PIGQ are known to be pathogenic (PMID: 24463883, 25558065).

Literature cited by the submitters: PubMed 24463883; PubMed 25558065.